The following is an entry in ClinVar:

NM_006846.4(SPINK5):c.2650A>G (p.Met884Val)

Gene: SPINK5 (serine peptidase inhibitor Kazal type 5; plus strand). Cytogenetic location: 5q32.
Variant type: single nucleotide variant.
Coding change: c.2650A>G on transcript NM_006846.4 (MANE Select); coding-DNA position 2650, A replaced by G.
Protein change: p.Met884Val; replaces methionine 884 with valine.
Molecular consequence: missense variant.
Genome position (GRCh38, 1-based): chr5:148,123,944, A>G. VCF-style: chr5-148123944-A-G. GRCh37 (hg19) VCF-style: chr5-147503507-A-G.
Other names: c.2650A>G, p.Met884Val (NM_001127698.2, NM_001127699.2); short protein forms M884V.
Identifiers: ClinVar variation 1971394 (VCV001971394.5), dbSNP rs1038633967, ClinGen allele CA128939915.

ClinVar aggregate classification (germline): Uncertain significance (1 of 4 stars; one submission).

Conditions:
Ichthyosis linearis circumflexa. Identifiers: MedGen C0265962, MONDO:0043106, HP:0025810.

Allele frequency attached by ClinVar (database versions not stated): gnomAD exomes below 0.00001; TOPMed 0.00001.
gnomAD v4.1: 4 of 1,614,006 alleles (0.00025%); highest among the groups gnomAD compares: Middle Eastern, 0.017%; no homozygotes.

Submission:

Labcorp Genetics (formerly Invitae), Labcorp
Classification: Uncertain significance for Ichthyosis linearis circumflexa. Last evaluated: 2026-01-05. Review status: criteria provided, single submitter. Criteria: Invitae Variant Classification Sherloc (09022015). Collection method: clinical testing. Allele origin: germline.
Comment: This sequence change replaces methionine, which is neutral and non-polar, with valine, which is neutral and non-polar, at codon 884 of the SPINK5 protein (p.Met884Val). This variant is not present in population databases (gnomAD no frequency). This variant has not been reported in the literature in individuals affected with SPINK5-related conditions. ClinVar contains an entry for this variant (Variation ID: 1971394). Invitae Evidence Modeling of protein sequence and biophysical properties (such as structural, functional, and spatial information, amino acid conservation, physicochemical variation, residue mobility, and thermodynamic stability) has been performed for this missense variant. However, the output from this modeling did not meet the statistical confidence thresholds required to predict the impact of this variant on SPINK5 protein function. In summary, the available evidence is currently insufficient to determine the role of this variant in disease. Therefore, it has been classified as a Variant of Uncertain Significance.